The following is an entry in ClinVar:

ClinVar aggregate classification (germline): Uncertain significance. Review status: criteria provided, multiple submitters, no conflicts (2 of 4 stars). 2 submissions from 2 submitters: Uncertain significance (2). Last evaluated 2025-09-22.

Conditions:
Cardiovascular phenotype. Identifiers: MedGen CN230736.

gnomAD v4.1: 21 of 1,612,434 alleles (0.0013%); highest among the groups gnomAD compares: Non-Finnish European, 0.0017%; no homozygotes.

Submissions (2):

Women's Health and Genetics/Laboratory Corporation of America, LabCorp
Classification: Uncertain significance. Last evaluated: 2025-09-22. Review status: criteria provided, single submitter. Criteria: LabCorp Variant Classification Summary - May 2015. Collection method: clinical testing. Allele origin: germline.
Comment: Variant summary: TNXB c.1958C>G (p.Pro653Arg) results in a non-conservative amino acid change in the encoded protein sequence. Algorithms developed to predict the effect of missense changes on protein structure and function are either unavailable or do not agree on the potential impact of this missense change. The variant allele was found at a frequency of 4.2e-06 in 238738 control chromosomes. The available data on variant occurrences in the general population are insufficient to allow any conclusion about variant significance. To our knowledge, no occurrence of c.1958C>G in individuals affected with TNXB-related conditions and no experimental evidence demonstrating its impact on protein function have been reported. ClinVar contains an entry for this variant (Variation ID: 3972097). Based on the evidence outlined above, the variant was classified as uncertain significance.

Ambry Genetics
Classification: Uncertain significance for Cardiovascular phenotype. Last evaluated: 2025-05-29. Review status: criteria provided, single submitter. Criteria: Ambry Variant Classification Scheme 2023. Collection method: clinical testing. Allele origin: germline.

NM_001365276.2(TNXB):c.1958C>G (p.Pro653Arg)

Gene: TNXB (tenascin XB; minus strand). Cytogenetic location: 6p21.33.
Variant type: single nucleotide variant.
Coding change: c.1958C>G on transcript NM_001365276.2 (MANE Select); coding-DNA position 1958, C replaced by G.
Protein change: p.Pro653Arg; replaces proline 653 with arginine.
Molecular consequence: missense variant.
Genome position (GRCh38, 1-based): chr6:32,095,895, G>C on the plus strand (C>G on the coding strand, the complement: TNXB is on the minus strand). VCF-style: chr6-32095895-G-C. GRCh37 (hg19) VCF-style: chr6-32063672-G-C.
Other names: c.1958C>G, p.Pro653Arg (NM_001428335.1, NM_019105.8); short protein forms P653R.
Identifiers: ClinVar variation 3972097 (VCV003972097.2).